The following is an entry in ClinVar:

NM_000540.3(RYR1):c.4989G>A (p.Ser1663=)

Gene: RYR1 (ryanodine receptor 1; plus strand). Cytogenetic location: 19q13.2.
Variant type: single nucleotide variant.
Coding change: c.4989G>A on transcript NM_000540.3 (MANE Select); coding-DNA position 4989, G replaced by A.
Protein change: p.Ser1663=; no amino-acid change (serine 1663 retained).
Molecular consequence: synonymous variant.
Genome position (GRCh38, 1-based): chr19:38,485,644, G>A. VCF-style: chr19-38485644-G-A. GRCh37 (hg19) VCF-style: chr19-38976284-G-A.
Other names: c.4989G>A, p.Ser1663= (NM_001042723.2).
Identifiers: ClinVar variation 3071199 (VCV003071199.1), dbSNP rs367971361, ClinGen allele CA308092900.

ClinVar aggregate classification (germline): Likely benign (1 of 4 stars; one submission).

Conditions:
Malignant hyperthermia, susceptibility to, 1 (MHS1). Also called: Anesthesia related hyperthermia; Malignant hyperpyrexia; Fulminating hyperpyrexia; Pharmacogenic myopathy; RYR1-Related Malignant Hyperthermia Susceptibility; Malignant hyperthermia suceptibility 1. Identifiers: Orphanet 423, MedGen C2930980, MONDO:0007783, OMIM 145600.

Allele frequency attached by ClinVar (database versions not stated): gnomAD exomes below 0.00001; TOPMed below 0.00001; gnomAD 0.00001; ESP Exome Variant Server 0.00008.
gnomAD v4.1: 2 of 1,610,288 alleles (0.00012%); highest among the groups gnomAD compares: Admixed American, 0.0017%; no homozygotes.

Submission:

All of Us Research Program, National Institutes of Health
Classification: Likely benign for Malignant hyperthermia, susceptibility to, 1. Last evaluated: 2024-01-11. Review status: criteria provided, single submitter. Criteria: ACMG Guidelines, 2015. Collection method: clinical testing. Allele origin: germline. Inheritance: Autosomal dominant inheritance. Observed: 2 variant alleles, 2 heterozygotes.
Comment: This study involves interpretation of variants in research participants for the purpose of population health screening. Participant phenotype was not available at the time of variant classification. Additional details can be found in publication PMID: 35346344, PMCID: PMC8962531